The following is an entry in ClinVar:

NM_001134407.3(GRIN2A):c.2146G>A (p.Ala716Thr)

Gene: GRIN2A (glutamate ionotropic receptor NMDA type subunit 2A; minus strand). Cytogenetic location: 16p13.2.
Variant type: single nucleotide variant.
Coding change: c.2146G>A on transcript NM_001134407.3 (MANE Select); coding-DNA position 2146, G replaced by A.
Protein change: p.Ala716Thr; replaces alanine 716 with threonine.
Molecular consequence: missense variant.
Genome position (GRCh38, 1-based): chr16:9,822,286, C>T on the plus strand (G>A on the coding strand, the complement: GRIN2A is on the minus strand). VCF-style: chr16-9822286-C-T. GRCh37 (hg19) VCF-style: chr16-9916143-C-T.
Other names: p.A716T:GCC>ACC; c.2146G>A, p.Ala716Thr (NM_000833.5, NM_001134408.2); short protein forms A716T.
Identifiers: ClinVar variation 205656 (VCV000205656.56), dbSNP rs762659685, ClinGen allele CA314947.
Genomic context (GRCh38, chr16:9,822,286, plus strand): 5'-TCGCAGACCTGTGGTGAAAAGGAAACTGCCATCCTTACCCCGTTTTCAGGCTGACCAAGG[C>T]GTCCTCTACTCCTTTCTGATTAAATTTGGTCATGTACTGATGCATGTAGGGATAGTTATT-3'
Protein context (NP_001127879.1, residues 706-726): TKFNQKGVED[Ala716Thr]LVSLKTGKLD

ClinVar aggregate classification (germline): Pathogenic/Likely pathogenic. Review status: criteria provided, multiple submitters, no conflicts (2 of 4 stars). 9 submissions from 9 submitters: Pathogenic (4); Likely pathogenic (4). 1 of the submissions does not count toward it. Last evaluated 2025-01-28.

Conditions:
Inborn genetic diseases. Identifiers: MedGen C0950123, MeSH D030342.
Landau-Kleffner syndrome (FESD). Also called: EPILEPSY, FOCAL, WITH SPEECH DISORDER AND WITH OR WITHOUT MENTAL RETARDATION; APHASIA, ACQUIRED, WITH EPILEPSY. Identifiers: Orphanet 1945, Orphanet 725, Orphanet 98818, MedGen C0282512, MONDO:0009509, OMIM 245570.

Allele frequency attached by ClinVar (database versions not stated): gnomAD exomes below 0.00001; ExAC 0.00001.
gnomAD v4.1: 2 of 1,613,546 alleles (0.00012%); highest among the groups gnomAD compares: Non-Finnish European, 0.00017%; no homozygotes.

Submissions (9):

Labcorp Genetics (formerly Invitae), Labcorp
Classification: Pathogenic for Landau-Kleffner syndrome. Last evaluated: 2025-01-28. Review status: criteria provided, single submitter. Criteria: Invitae Variant Classification Sherloc (09022015). Collection method: clinical testing. Allele origin: germline.
Comment: This sequence change replaces alanine, which is neutral and non-polar, with threonine, which is neutral and polar, at codon 716 of the GRIN2A protein (p.Ala716Thr). This variant is present in population databases (rs762659685, gnomAD 0.01%). This missense change has been observed in individual(s) with epilepsy (PMID: 23933820). It has also been observed to segregate with disease in related individuals. ClinVar contains an entry for this variant (Variation ID: 205656). Invitae Evidence Modeling of protein sequence and biophysical properties (such as structural, functional, and spatial information, amino acid conservation, physicochemical variation, residue mobility, and thermodynamic stability) indicates that this missense variant is expected to disrupt GRIN2A protein function with a positive predictive value of 95%. Experimental studies have shown that this missense change affects GRIN2A function (PMID: 27839871). For these reasons, this variant has been classified as Pathogenic.

Ambry Genetics
Classification: Likely pathogenic for Inborn genetic diseases. Last evaluated: 2024-01-08. Review status: criteria provided, single submitter. Criteria: Ambry Variant Classification Scheme 2023. Collection method: clinical testing. Allele origin: germline.
Comment: The c.2146G>A (p.A716T) alteration is located in coding exon 9 of the GRIN2A gene. This alteration results from a G to A substitution at nucleotide position 2146, causing the alanine (A) at amino acid position 716 to be replaced by a threonine (T). This allele was reported in one heterozygous individual in population-based cohorts in the Genome Aggregation Database (gnomAD). This variant has been reported as a heterozygous de novo finding in multiple unrelated patients with clinical features of GRIN2A-related speech disorders and epilepsy (Li, 2020; Lee, 2021. external communications). This has also been shown to segregate with disease in a family with atypical rolandic epilepsy, verbal dyspraxia, cognitive impairment of variable degrees (Lesca, 2013). This amino acid position is highly conserved in available vertebrate species. This missense alteration is located in a region that has a low rate of benign missense variation (Lek, 2016; Firth, 2009). This alteration is predicted to be deleterious by in silico analysis. Based on the available evidence, this alteration is classified as likely pathogenic.

Institute of Human Genetics, University of Leipzig Medical Center
Classification: Likely pathogenic for Landau-Kleffner syndrome. Last evaluated: 2019-01-01. Review status: criteria provided, single submitter. Criteria: ACMG Guidelines, 2015. Collection method: research. Allele origin: de novo. Affected: yes.

Cytogénomique, Hospices Civils de Lyon
Classification: Pathogenic for Landau-Kleffner syndrome. Last evaluated: 2018-04-16. Review status: criteria provided, single submitter. Criteria: ACMG Guidelines, 2015. Collection method: clinical testing. Allele origin: maternal. Inheritance: Autosomal dominant inheritance. Affected: yes.

Eurofins Ntd Llc (ga)
Classification: Likely pathogenic. Last evaluated: 2016-11-07. Review status: criteria provided, single submitter. Criteria: EGL Classification Definitions 2015. Collection method: clinical testing. Allele origin: germline. Observed: 1 variant allele, 1 heterozygote.

CeGaT Center for Human Genetics Tuebingen
Classification: Pathogenic. Last evaluated: 2016-09-01. Review status: criteria provided, single submitter. Criteria: CeGaT Center For Human Genetics Tuebingen Variant Classification Criteria Version 2. Collection method: clinical testing. Allele origin: germline. Affected: yes. Observed: 1 variant allele.

GeneDx
Classification: Likely pathogenic. Last evaluated: 2014-04-02. Review status: criteria provided, single submitter. Criteria: GeneDx Variant Classification (06012015). Collection method: clinical testing. Allele origin: germline. Affected: yes.
Comment: p.Ala716Thr (GCC>ACC): c.2146 G>A in exon 11 of the GRIN2A gene (NM_000833.3). The A716T variant has been previously reported as a potentially deleterious variant in a family with atypical Rolandic epilepsy, verbal dyspraxia, and cognitive impairment (Lesca et al., 2013). The A716T mutation was not observed in approximately 6,500 individuals of European and African American ancestry in the NHLBI Exome Sequencing Project, indicating it is not a common benign variant in these populations. A716T is a non-conservative amino acid substitution, which is likely to impact secondary protein structure as these residues differ in polarity, charge, size and/or other properties. A716T alters a highly conserved position in the extracellular domain, and in silico analysis predicts this variant is probably damaging to the protein structure/function. Therefore, this variant is a strong candidate for a pathogenic mutation, however the possibility that it is a benign variant cannot be excluded. The variant is found in EPILEPSY panel(s).

Juno Genomics, Hangzhou Juno Genomics, Inc
Classification: Pathogenic for Landau-Kleffner syndrome. Review status: criteria provided, single submitter. Criteria: ACMG Guidelines, 2015. Collection method: clinical testing. Allele origin: germline. Affected: yes.
Comment: Absent from controls (or at extremely low frequency if recessive) in Genome Aggregation Database.;Multiple lines of computational evidence support a deleterious effect on the gene or gene product.;Missense variant in a gene that has a low rate of benign missense variation.;Located in a mutational hot spot and/or critical and well-established functional domain without benign variation.;The prevalence of the variant in affected individuals is significantly increased compared to the prevalence in controls.;De novo (both maternity and paternity confirmed) in a patient with the disease and no family history.

GeneReviews
No classification provided. Condition: Landau-Kleffner syndrome. Review status: no classification provided. Collection method: literature only. Allele origin: germline. Affected: yes. Not counted in ClinVar's aggregate classification.

Literature cited by the submitters: PubMed 23933820 (cited by 4 submitters); PubMed 27839871 (cited by Labcorp Genetics (formerly Invitae), Labcorp); PubMed 32741404 (cited by Ambry Genetics); PubMed 33240831 (cited by Ambry Genetics); PubMed 30544257 (cited by Institute of Human Genetics, University of Leipzig Medical Center); PubMed 26806548 (cited by Cytogénomique, Hospices Civils de Lyon and GeneReviews); NCBI Bookshelf NBK385627 (cited by GeneReviews).